The following is an entry in ClinVar:

NM_015311.3(OBSL1):c.1311G>T (p.Lys437Asn)

Gene: OBSL1 (obscurin like cytoskeletal adaptor 1; minus strand). Cytogenetic location: 2q35.
Variant type: single nucleotide variant.
Coding change: c.1311G>T on transcript NM_015311.3 (MANE Select); coding-DNA position 1311, G replaced by T.
Protein change: p.Lys437Asn; replaces lysine 437 with asparagine.
Molecular consequence: missense variant.
Genome position (GRCh38, 1-based): chr2:219,567,941, C>A on the plus strand (G>T on the coding strand, the complement: OBSL1 is on the minus strand). VCF-style: chr2-219567941-C-A. GRCh37 (hg19) VCF-style: chr2-220432663-C-A.
Other names: c.1311G>T, p.Lys437Asn (NM_001173408.2, NM_001173431.2); short protein forms K437N.
Identifiers: ClinVar variation 894812 (VCV000894812.9), dbSNP rs771801313, ClinGen allele CA2131555.
Genomic context (GRCh38, chr2:219,567,941, plus strand): 5'-GACCCCGGCCTCTAGAGTTTCCACTAGCAGCACAGCATTCTCTCCTTCCAGGACGTCGAG[C>A]TTCCGGGGCAGGCGCTTCAGGATGGGCCCTGAGATGCGGACAGGAATCCATCAACCTGGA-3'
Protein context (NP_056126.1, residues 427-447): KGPILKRLPR[Lys437Asn]LDVLEGENAV

ClinVar aggregate classification (germline): Uncertain significance. Review status: criteria provided, multiple submitters, no conflicts (2 of 4 stars). 3 submissions from 3 submitters: Uncertain significance (3). Last evaluated 2024-06-07.

Conditions:
Inborn genetic diseases. Identifiers: MedGen C0950123, MeSH D030342.
3M syndrome 2. Also called: 3-M Syndrome, OBSL1-Related; THREE M SYNDROME 2. Identifiers: Orphanet 2616, MedGen C2752041, MONDO:0013039, OMIM 612921.

Allele frequency attached by ClinVar (database versions not stated): gnomAD 0.00001; TOPMed 0.00002; ExAC 0.00004; gnomAD exomes 0.00006.

Submissions (3):

Ambry Genetics
Classification: Uncertain significance for Inborn genetic diseases. Last evaluated: 2024-06-07. Review status: criteria provided, single submitter. Criteria: Ambry Variant Classification Scheme 2023. Collection method: clinical testing. Allele origin: germline.

Labcorp Genetics (formerly Invitae), Labcorp
Classification: Uncertain significance. Last evaluated: 2022-08-16. Review status: criteria provided, single submitter. Criteria: Invitae Variant Classification Sherloc (09022015). Collection method: clinical testing. Allele origin: germline.
Comment: This variant is present in population databases (rs771801313, gnomAD 0.01%). In summary, the available evidence is currently insufficient to determine the role of this variant in disease. Therefore, it has been classified as a Variant of Uncertain Significance. Algorithms developed to predict the effect of missense changes on protein structure and function are either unavailable or do not agree on the potential impact of this missense change (SIFT: "Deleterious"; PolyPhen-2: "Probably Damaging"; Align-GVGD: "Class C0"). ClinVar contains an entry for this variant (Variation ID: 894812). This variant has not been reported in the literature in individuals affected with OBSL1-related conditions. This sequence change replaces lysine, which is basic and polar, with asparagine, which is neutral and polar, at codon 437 of the OBSL1 protein (p.Lys437Asn).

Illumina Laboratory Services, Illumina
Classification: Uncertain significance for 3M syndrome 2. Last evaluated: 2018-01-12. Review status: criteria provided, single submitter. Criteria: ICSL Variant Classification Criteria 13 December 2019. Collection method: clinical testing. Allele origin: germline.